The following is an entry in ClinVar:

ClinVar aggregate classification (germline): Likely benign (0 of 4 stars; one submission).

Conditions:
VPS35-related disorder. Also called: VPS35-related condition.

Allele frequency attached by ClinVar (database versions not stated): gnomAD exomes below 0.00001.
gnomAD v4.1: 1 of 1,613,330 alleles (0.000062%); highest among the groups gnomAD compares: African/African-American, 0.0013%; no homozygotes.

Submission:

PreventionGenetics, part of Exact Sciences
Classification: Likely benign for VPS35-related condition. Last evaluated: 2019-09-17. Review status: no assertion criteria provided. Collection method: clinical testing. Allele origin: germline.
Comment: This variant is classified as likely benign based on ACMG/AMP sequence variant interpretation guidelines (Richards et al. 2015 PMID: 25741868, with internal and published modifications).

NM_018206.6(VPS35):c.831G>A (p.Gln277=)

Gene: VPS35 (VPS35 retromer complex component; minus strand). Cytogenetic location: 16q11.2.
Variant type: single nucleotide variant.
Coding change: c.831G>A on transcript NM_018206.6 (MANE Select); coding-DNA position 831, G replaced by A.
Protein change: p.Gln277=; no amino-acid change (glutamine 277 retained).
Molecular consequence: synonymous variant.
Genome position (GRCh38, 1-based): chr16:46,676,666, C>T on the plus strand (G>A on the coding strand, the complement: VPS35 is on the minus strand). VCF-style: chr16-46676666-C-T. GRCh37 (hg19) VCF-style: chr16-46710578-C-T.
Identifiers: ClinVar variation 3039838 (VCV003039838.2), dbSNP rs2548882351, ClinGen allele CA494971948.